The following is an entry in ClinVar:

NM_000545.8(HNF1A):c.1310-2A>G

Gene: HNF1A (HNF1 homeobox A; plus strand). Cytogenetic location: 12q24.31.
Variant type: single nucleotide variant.
Coding change: c.1310-2A>G on transcript NM_000545.8 (MANE Select); the canonical splice acceptor site of the intron before coding-DNA position 1310, A replaced by G.
Molecular consequence: splice acceptor variant. On other transcripts: intron variant (1).
Genome position (GRCh38, 1-based): chr12:120,997,472, A>G. VCF-style: chr12-120997472-A-G. GRCh37 (hg19) VCF-style: chr12-121435275-A-G.
Other names: c.1310-2A>G (NM_001306179.2); c.1309+730A>G (NM_001406915.1).
Identifiers: ClinVar variation 1179147 (VCV001179147.4), dbSNP rs2135847311, ClinGen allele CA386969967.

ClinVar aggregate classification (germline): Likely pathogenic. Review status: criteria provided, multiple submitters, no conflicts (2 of 4 stars). 2 submissions from 2 submitters: Likely pathogenic (2). Last evaluated 2024-10-17.

Conditions:
Type 1 diabetes mellitus 20 (T1D20). Also called: Diabetes mellitus, insulin-dependent, 20. Identifiers: MedGen C2675866, MONDO:0012919, OMIM 612520.
Type 2 diabetes mellitus. Also called: Type II diabetes mellitus. Identifiers: MedGen C0011860, MeSH D003924, MONDO:0005148, OMIM 125853, HP:0005978.
Nonpapillary renal cell carcinoma. Identifiers: Orphanet 422526, MedGen CN074294, MONDO:0007763, OMIM 144700.
Maturity-onset diabetes of the young type 3. Also called: MODY type 3; MODY, type III. Identifiers: Orphanet 552, MedGen C1838100, MeSH C563933, MONDO:0010894, OMIM 600496. Disease mechanism: loss of function.
Hepatic adenomas, familial. Also called: LIVER CELL ADENOMAS, FAMILIAL; HEPATIC ADENOMA, SOMATIC. Identifiers: MedGen C1840646, MONDO:0007718, OMIM 142330.
Diabetes mellitus type 1 (T1D). Also called: Diabetes Mellitus, Juvenile-Onset; Type I diabetes mellitus. Identifiers: MedGen C0011854, MONDO:0005147, OMIM 222100, HP:0100651.

Submissions (2):

Genetic Services Laboratory, University of Chicago
Classification: Likely pathogenic. Last evaluated: 2024-10-17. Review status: criteria provided, single submitter. Criteria: ACMG Guidelines, 2015. Collection method: clinical testing. Allele origin: germline. Affected: yes.
Comment: DNA sequence analysis of the HNF1A gene demonstrated a sequence change in the canonical splice acceptor site of intron 6, c.1310-2A>G. This sequence change does not appear to have been previously described in individuals with HNF1A-related disorders and has also not been described in population databases such as ExAC and gnomAD (dbSNP rs2135847311). This sequence change has not previously been described in individuals with HNF1A-related disorders but other loss of function variants in this gene have been reported to be pathogenic (PMID: 15928245, 18003757, 21224407, 18003757, 23348805). This sequence change is predicted to affect normal splicing of the HNF1A gene and result in an abnormal protein. Collectively, this evidence indicates that this sequence change is likely pathogenic, however functional studies have not been performed to prove this conclusively.

Fulgent Genetics
Classification: Likely pathogenic for Type 2 diabetes mellitus; Hepatic adenomas, familial; Nonpapillary renal cell carcinoma; Diabetes mellitus type 1; Maturity-onset diabetes of the young type 3; Type 1 diabetes mellitus 20. Last evaluated: 2021-06-30. Review status: criteria provided, single submitter. Criteria: ACMG Guidelines, 2015. Collection method: clinical testing. Allele origin: unknown.
Comment: This variant has been detected in individual(s) who were sent for testing of Renasight - kidney gene panel.